The following is an entry in ClinVar:

ClinVar aggregate classification (germline): Uncertain significance (1 of 4 stars; one submission).

Conditions:
Norman-Roberts syndrome (LIS2). Also called: Lissencephaly 2 (Norman-Roberts type). Identifiers: Orphanet 89844, MedGen C0796089, MONDO:0009760, OMIM 257320.
Familial temporal lobe epilepsy 7. Identifiers: Orphanet 101046, MedGen C4225327, MONDO:0014639, OMIM 616436.

gnomAD v4.1: 1 of 1,612,534 alleles (0.000062%); highest among the groups gnomAD compares: South Asian, 0.0011%; no homozygotes.

Submission:

Labcorp Genetics (formerly Invitae), Labcorp
Classification: Uncertain significance for Familial temporal lobe epilepsy 7; Norman-Roberts syndrome. Last evaluated: 2024-12-07. Review status: criteria provided, single submitter. Criteria: Invitae Variant Classification Sherloc (09022015). Collection method: clinical testing. Allele origin: germline.
Comment: This sequence change replaces serine, which is neutral and polar, with cysteine, which is neutral and slightly polar, at codon 981 of the RELN protein (p.Ser981Cys). This variant is not present in population databases (gnomAD no frequency). This variant has not been reported in the literature in individuals affected with RELN-related conditions. Invitae Evidence Modeling of protein sequence and biophysical properties (such as structural, functional, and spatial information, amino acid conservation, physicochemical variation, residue mobility, and thermodynamic stability) indicates that this missense variant is not expected to disrupt RELN protein function with a negative predictive value of 80%. Algorithms developed to predict the effect of sequence changes on RNA splicing suggest that this variant may disrupt the consensus splice site. In summary, the available evidence is currently insufficient to determine the role of this variant in disease. Therefore, it has been classified as a Variant of Uncertain Significance.

NM_005045.4(RELN):c.2941A>T (p.Ser981Cys)

Gene: RELN (reelin; minus strand). Cytogenetic location: 7q22.1.
Variant type: single nucleotide variant.
Coding change: c.2941A>T on transcript NM_005045.4 (MANE Select); coding-DNA position 2941, A replaced by T.
Protein change: p.Ser981Cys; replaces serine 981 with cysteine.
Molecular consequence: missense variant.
Genome position (GRCh38, 1-based): chr7:103,610,762, T>A on the plus strand (A>T on the coding strand, the complement: RELN is on the minus strand). VCF-style: chr7-103610762-T-A. GRCh37 (hg19) VCF-style: chr7-103251209-T-A.
Other names: c.2941A>T, p.Ser981Cys (NM_173054.3); short protein forms S981C.
Identifiers: ClinVar variation 3761247 (VCV003761247.2).